The following is an entry in ClinVar:

NM_014319.5(LEMD3):c.173G>C (p.Gly58Ala)

Gene: LEMD3 (LEM domain containing 3; plus strand). Cytogenetic location: 12q14.3.
Variant type: single nucleotide variant.
Coding change: c.173G>C on transcript NM_014319.5 (MANE Select); coding-DNA position 173, G replaced by C.
Protein change: p.Gly58Ala; replaces glycine 58 with alanine.
Molecular consequence: missense variant.
Genome position (GRCh38, 1-based): chr12:65,169,769, G>C. VCF-style: chr12-65169769-G-C. GRCh37 (hg19) VCF-style: chr12-65563549-G-C.
Other names: c.173G>C, p.Gly58Ala (NM_001167614.2); short protein forms G58A.
Identifiers: ClinVar variation 1929934 (VCV001929934.5), dbSNP rs1467049645, ClinGen allele CA385671906.
Genomic context (GRCh38, chr12:65,169,769, plus strand): 5'-TCTACCTCAAGAAGCTGAAGAAGCTTCGAGAGGAAGAGCAGCAACAGCACCGGTCAGGGG[G>C]CCGCGGCAACAAGACGCGGAACAGTAATAACAATAACACGGCAGCCGCCACGGTCGCAGC-3'
Protein context (NP_055134.2, residues 48-68): EEEQQQHRSG[Gly58Ala]RGNKTRNSNN

ClinVar aggregate classification (germline): Uncertain significance (1 of 4 stars; one submission).

gnomAD v4.1: 13 of 1,583,906 alleles (0.00082%); highest among the groups gnomAD compares: Non-Finnish European, 0.0011%; no homozygotes.

Submission:

Labcorp Genetics (formerly Invitae), Labcorp
Classification: Uncertain significance. Last evaluated: 2025-12-06. Review status: criteria provided, single submitter. Criteria: Invitae Variant Classification Sherloc (09022015). Collection method: clinical testing. Allele origin: germline.
Comment: This sequence change replaces glycine, which is neutral and non-polar, with alanine, which is neutral and non-polar, at codon 58 of the LEMD3 protein (p.Gly58Ala). This variant is present in population databases (no rsID available, gnomAD 0.001%). This variant has not been reported in the literature in individuals affected with LEMD3-related conditions. ClinVar contains an entry for this variant (Variation ID: 1929934). An algorithm developed to predict the effect of missense changes on protein structure and function (PolyPhen-2) suggests that this variant is likely to be tolerated. In summary, the available evidence is currently insufficient to determine the role of this variant in disease. Therefore, it has been classified as a Variant of Uncertain Significance.